The following is an entry in ClinVar:

ClinVar aggregate classification (germline): Conflicting classifications of pathogenicity. Review status: criteria provided, conflicting classifications (1 of 4 stars). 7 submissions from 7 submitters: Uncertain significance (5); Benign (2). Last evaluated 2026-01-06.

Conditions:
Collagen 6-related myopathy. Identifiers: MedGen CN117976, MONDO:0100225.
Bethlem myopathy 1A. Also called: Bethlem myopathy 1; MYOPATHY, BENIGN CONGENITAL, WITH CONTRACTURES; Bethlem Muscular Dystrophy. Identifiers: Orphanet 610, MedGen CN029274, MONDO:0024530, OMIM 158810.

Allele frequency attached by ClinVar (database versions not stated): gnomAD 0.00007 and 0.00011; ESP Exome Variant Server 0.00015; TOPMed 0.00015; ExAC 0.00019; gnomAD exomes 0.00022.
gnomAD v4.1: 412 of 1,612,948 alleles (0.026%); highest among the groups gnomAD compares: South Asian, 0.12%; 2 homozygotes.

Submissions (7):

GeneDx
Classification: Uncertain significance. Last evaluated: 2026-01-06. Review status: criteria provided, single submitter. Criteria: GeneDx Variant Classification Process June 2021. Collection method: clinical testing. Allele origin: germline. Affected: yes.
Comment: Reported with a second variant in the COL6A1 gene in a patient with features of muscular dystrophy, a connective tissue disorder, and a peroxisomal disorder in published literature; however, the patient also had a variant in the PEX6 gene that may have been partially responsible for the phenotype (PMID: 35002136); Reported in a patient with features of limb girdle muscular dystrophy in published literature; however, additional clinical information was not provided (PMID: 30564623); Reported previously in the compound heterozygous state in a fetus with multiple malformations (PMID: 41153384); In silico analysis suggests that this missense variant does not alter protein structure/function; This variant is associated with the following publications: (PMID: 41153384, 30564623, 35002136)

Labcorp Genetics (formerly Invitae), Labcorp
Classification: Benign for Bethlem myopathy 1A. Last evaluated: 2025-10-02. Review status: criteria provided, single submitter. Criteria: Invitae Variant Classification Sherloc (09022015). Collection method: clinical testing. Allele origin: germline.

Blueprint Genetics
Classification: Uncertain significance. Last evaluated: 2024-11-18. Review status: criteria provided, single submitter. Criteria: ACMG Guidelines, 2015. Collection method: clinical testing. Allele origin: germline.

CeGaT Center for Human Genetics Tuebingen
Classification: Uncertain significance. Last evaluated: 2023-04-01. Review status: criteria provided, single submitter. Criteria: CeGaT Center For Human Genetics Tuebingen Variant Classification Criteria Version 2. Collection method: clinical testing. Allele origin: germline. Affected: yes. Observed: 2 variant alleles.
Comment: COL6A1: PM2, PP3

Revvity Omics, Revvity
Classification: Uncertain significance. Last evaluated: 2019-11-06. Review status: criteria provided, single submitter. Criteria: ACMG Guidelines, 2015. Collection method: clinical testing. Allele origin: germline.

Illumina Laboratory Services, Illumina
Classification: Benign for Collagen VI-related myopathy. Last evaluated: 2018-01-12. Review status: criteria provided, single submitter. Criteria: ICSL Variant Classification Criteria 13 December 2019. Collection method: clinical testing. Allele origin: germline.
Comment: This variant was observed in the ICSL laboratory as part of a predisposition screen in an ostensibly healthy population. It had not been previously curated by ICSL or reported in the Human Gene Mutation Database (HGMD: prior to June 1st, 2018), and was therefore a candidate for classification through an automated scoring system. Utilizing variant allele frequency, disease prevalence and penetrance estimates, and inheritance mode, an automated score was calculated to assess if this variant is too frequent to cause the disease. Based on the score and internal cut-off values, a variant classified as benign is not then subjected to further curation. The score for this variant resulted in a classification of benign for this disease.

Eurofins Ntd Llc (ga)
Classification: Uncertain significance. Last evaluated: 2016-08-31. Review status: criteria provided, single submitter. Criteria: EGL Classification Definitions 2015. Collection method: clinical testing. Allele origin: germline. Observed: 5 variant alleles, 5 heterozygotes.

NM_001848.3(COL6A1):c.751G>A (p.Glu251Lys)

Gene: COL6A1 (collagen type VI alpha 1 chain; plus strand). Cytogenetic location: 21q22.3.
Variant type: single nucleotide variant.
Coding change: c.751G>A on transcript NM_001848.3 (MANE Select); coding-DNA position 751, G replaced by A.
Protein change: p.Glu251Lys; replaces glutamic acid 251 with lysine.
Molecular consequence: missense variant.
Genome position (GRCh38, 1-based): chr21:45,987,511, G>A. VCF-style: chr21-45987511-G-A. GRCh37 (hg19) VCF-style: chr21-47407425-G-A.
Other names: short protein forms E251K.
Identifiers: ClinVar variation 283242 (VCV000283242.59), dbSNP rs145849970, ClinGen allele CA10069713.